The following is an entry in ClinVar:

NM_018263.6(ASXL2):c.1421T>C (p.Leu474Pro)

Gene: ASXL2 (ASXL transcriptional regulator 2; minus strand). Cytogenetic location: 2p23.3.
Variant type: single nucleotide variant.
Coding change: c.1421T>C on transcript NM_018263.6 (MANE Select); coding-DNA position 1421, T replaced by C.
Protein change: p.Leu474Pro; replaces leucine 474 with proline.
Molecular consequence: missense variant.
Genome position (GRCh38, 1-based): chr2:25,750,135, A>G on the plus strand (T>C on the coding strand, the complement: ASXL2 is on the minus strand). VCF-style: chr2-25750135-A-G. GRCh37 (hg19) VCF-style: chr2-25973004-A-G.
Other names: c.1247T>C, p.Leu416Pro (NM_001369346.1); c.641T>C, p.Leu214Pro (NM_001369347.1); short protein forms L214P, L416P, L474P.
Identifiers: ClinVar variation 1303118 (VCV001303118.2), dbSNP rs2149140899, ClinGen allele CA346076184.

ClinVar aggregate classification (germline): Uncertain significance (1 of 4 stars; one submission).

gnomAD v4.1: 5 of 1,614,010 alleles (0.00031%); highest among the groups gnomAD compares: Non-Finnish European, 0.00042%; no homozygotes.

Submission:

GeneDx
Classification: Uncertain significance. Last evaluated: 2020-01-10. Review status: criteria provided, single submitter. Criteria: GeneDx Variant Classification Process June 2021. Collection method: clinical testing. Allele origin: germline. Affected: yes.
Comment: Not observed in large population cohorts (Lek et al., 2016); In silico analysis, which includes protein predictors and evolutionary conservation, supports that this variant does not alter protein structure/function; Has not been previously published as pathogenic or benign to our knowledge